The following is an entry in ClinVar:

NM_001127222.2(CACNA1A):c.4165A>G (p.Ile1389Val)

Genes: CACNA1A (calcium voltage-gated channel subunit alpha1 A; minus strand), LOC126862864 (MED14-independent group 3 enhancer GRCh37_chr19:13371552-13372751; plus strand). Cytogenetic location: 19p13.13.
Variant type: single nucleotide variant.
Coding change: c.4165A>G on transcript NM_001127222.2 (MANE Select); coding-DNA position 4165, A replaced by G.
Protein change: p.Ile1389Val; replaces isoleucine 1389 with valine.
Molecular consequence: missense variant.
Genome position (GRCh38, 1-based): chr19:13,261,535, T>C on the plus strand (A>G on the coding strand, the complement: CACNA1A is on the minus strand). VCF-style: chr19-13261535-T-C. GRCh37 (hg19) VCF-style: chr19-13372349-T-C.
Other names: c.4177A>G, p.Ile1393Val (NM_000068.4, NM_023035.3); c.4168A>G, p.Ile1390Val (NM_001127221.2, NM_001174080.2); short protein forms I1389V, I1390V, I1393V.
Identifiers: ClinVar variation 4085204 (VCV004085204.8).
Genomic context (GRCh38, chr19:13,261,535, plus strand): 5'-ACTCGTCAGTGCAGTGGAAGAATTTCCCCTTGAAGAGCTGCACAGCCACCACGGCGAAGA[T>C]GAACATGAATAGCATGTAGACGATGAGGATGTTGAAGACGTTTTTAAGTGAGTTCACCAC-3'
Protein context (NP_001120694.1, residues 1379-1399): ILIVYMLFMF[Ile1389Val]FAVVAVQLFK

ClinVar aggregate classification (germline): Likely pathogenic (1 of 4 stars; one submission).

Submission:

CeGaT Center for Human Genetics Tuebingen
Classification: Likely pathogenic. Last evaluated: 2025-06-01. Review status: criteria provided, single submitter. Criteria: CeGaT Center For Human Genetics Tuebingen Variant Classification Criteria Version 2. Collection method: clinical testing. Allele origin: germline. Affected: yes. Observed: 1 variant allele.
Comment: CACNA1A: PM1, PM2, PP2, PP3